The following is an entry in ClinVar:

NM_182476.3(COQ6):c.1381C>G (p.Gln461Glu)

Genes: COQ6 (coenzyme Q6, monooxygenase; plus strand), ENTPD5 (ectonucleoside triphosphate diphosphohydrolase 5; minus strand). Cytogenetic location: 14q24.3.
Variant type: single nucleotide variant.
Coding change: c.1381C>G on transcript NM_182476.3 (MANE Select); coding-DNA position 1381, C replaced by G.
Protein change: p.Gln461Glu; replaces glutamine 461 with glutamic acid.
Molecular consequence: missense variant. On other transcripts: intron variant (7).
Genome position (GRCh38, 1-based): chr14:73,962,973, C>G. VCF-style: chr14-73962973-C-G. GRCh37 (hg19) VCF-style: chr14-74429676-C-G.
Other names: c.1214C>G, p.Thr405Arg (NM_001425255.1); c.1273C>G, p.Gln425Glu (NM_001425256.1); c.1216C>G, p.Gln406Glu (NM_001425257.1); c.1198C>G, p.Gln400Glu (NM_001425258.1); c.1156C>G, p.Gln386Glu (NM_001425259.1, NM_001425260.1); c.1126C>G, p.Gln376Glu (NM_001425262.1); c.1054C>G, p.Gln352Glu (NM_001425263.1); c.841C>G, p.Gln281Glu (NM_001425264.1, NM_001425265.1); and 5 more; short protein forms Q461E, Q436E.
Identifiers: ClinVar variation 1958946 (VCV001958946.3), dbSNP rs778363311, ClinGen allele CA7264534.

ClinVar aggregate classification (germline): Uncertain significance (1 of 4 stars; one submission).

Allele frequency attached by ClinVar (database versions not stated): TOPMed below 0.00001; ExAC 0.00001.
gnomAD v4.1: 26 of 1,608,052 alleles (0.0016%); highest among the groups gnomAD compares: Non-Finnish European, 0.0022%; no homozygotes.

Submission:

Labcorp Genetics (formerly Invitae), Labcorp
Classification: Uncertain significance. Last evaluated: 2026-01-12. Review status: criteria provided, single submitter. Criteria: Invitae Variant Classification Sherloc (09022015). Collection method: clinical testing. Allele origin: germline.
Comment: This sequence change replaces glutamine, which is neutral and polar, with glutamic acid, which is acidic and polar, at codon 461 of the COQ6 protein (p.Gln461Glu). This variant is present in population databases (rs778363311, gnomAD 0.002%). This variant has not been reported in the literature in individuals affected with COQ6-related conditions. ClinVar contains an entry for this variant (Variation ID: 1958946). An algorithm developed to predict the effect of missense changes on protein structure and function (PolyPhen-2) suggests that this variant is likely to be tolerated. In summary, the available evidence is currently insufficient to determine the role of this variant in disease. Therefore, it has been classified as a Variant of Uncertain Significance.